The following is an entry in ClinVar:

ClinVar aggregate classification (germline): Benign. Review status: criteria provided, multiple submitters, no conflicts (2 of 4 stars). 5 submissions from 5 submitters: Benign (5). Last evaluated 2026-02-02.

Conditions:
Microcephalic osteodysplastic primordial dwarfism type II (MOPD2). Also called: Microcephalic osteodysplastic primordial dwarfism with tooth abnormalities; OSTEODYSPLASTIC PRIMORDIAL DWARFISM, TYPE II; MOPD II. Identifiers: Orphanet 2637, MedGen C0432246, MONDO:0008872, OMIM 210720.

Allele frequency attached by ClinVar (database versions not stated): 1000 Genomes Project 30x 0.02249; 1000 Genomes Project 0.02296; TOPMed 0.04290; gnomAD exomes 0.04599 and 0.05540; ExAC 0.04618; gnomAD 0.04746 and 0.04931; ESP Exome Variant Server 0.05144.
gnomAD v4.1: 87,926 of 1,613,906 alleles (5.4%); highest among the groups gnomAD compares: Non-Finnish European, 6.1%; 2,755 homozygotes.

Submissions (5):

Labcorp Genetics (formerly Invitae), Labcorp
Classification: Benign. Last evaluated: 2026-02-02. Review status: criteria provided, single submitter. Criteria: Invitae Variant Classification Sherloc (09022015). Collection method: clinical testing. Allele origin: germline.

Illumina Laboratory Services, Illumina
Classification: Benign for Microcephalic osteodysplastic primordial dwarfism type II. Last evaluated: 2018-01-13. Review status: criteria provided, single submitter. Criteria: ICSL Variant Classification Criteria 13 December 2019. Collection method: clinical testing. Allele origin: germline.
Comment: This variant was observed in the ICSL laboratory as part of a predisposition screen in an ostensibly healthy population. It had not been previously curated by ICSL or reported in the Human Gene Mutation Database (HGMD: prior to June 1st, 2018), and was therefore a candidate for classification through an automated scoring system. Utilizing variant allele frequency, disease prevalence and penetrance estimates, and inheritance mode, an automated score was calculated to assess if this variant is too frequent to cause the disease. Based on the score and internal cut-off values, a variant classified as benign is not then subjected to further curation. The score for this variant resulted in a classification of benign for this disease.

GeneDx
Classification: Benign. Last evaluated: 2014-03-31. Review status: criteria provided, single submitter. Criteria: GeneDx Variant Classification (06012015). Collection method: clinical testing. Allele origin: germline. Affected: yes.
Comment: This variant is considered likely benign or benign based on one or more of the following criteria: it is a conservative change, it occurs at a poorly conserved position in the protein, it is predicted to be benign by multiple in silico algorithms, and/or has population frequency not consistent with disease.

Genetic Services Laboratory, University of Chicago
Classification: Benign. Last evaluated: 2013-02-08. Review status: criteria provided, single submitter. Criteria: ACMG Guidelines, 2007. Collection method: clinical testing. Allele origin: germline. Inheritance: Autosomal recessive inheritance.

Breakthrough Genomics
Classification: Benign. Review status: criteria provided, single submitter. Criteria: ACMG Guidelines, 2015. Collection method: not provided. Allele origin: germline. Inheritance: Autosomal recessive inheritance. Affected: yes.

NM_006031.6(PCNT):c.7074T>C (p.Pro2358=)

Gene: PCNT (pericentrin; plus strand). Cytogenetic location: 21q22.3.
Variant type: single nucleotide variant.
Coding change: c.7074T>C on transcript NM_006031.6 (MANE Select); coding-DNA position 7074, T replaced by C.
Protein change: p.Pro2358=; no amino-acid change (proline 2358 retained).
Molecular consequence: synonymous variant.
Genome position (GRCh38, 1-based): chr21:46,422,019, T>C. VCF-style: chr21-46422019-T-C. GRCh37 (hg19) VCF-style: chr21-47841933-T-C.
Other names: p.P2358P:CCT>CCC; c.6720T>C, p.Pro2240= (NM_001315529.2).
Identifiers: ClinVar variation 138629 (VCV000138629.17), dbSNP rs61735815, ClinGen allele CA173074.